The following is an entry in ClinVar:

ClinVar aggregate classification (germline): Likely benign. Review status: criteria provided, single submitter (1 of 4 stars). 2 submissions from 2 submitters: Likely benign (1). 1 of the submissions does not count toward it. Last evaluated 2018-06-05.

Conditions:
DGKD-related disorder. Also called: DGKD-related condition.

Allele frequency attached by ClinVar (database versions not stated): gnomAD 0.00005; gnomAD exomes 0.00005 and 0.00029; TOPMed 0.00017; ExAC 0.00023.
gnomAD v4.1: 83 of 1,610,610 alleles (0.0052%); highest among the groups gnomAD compares: Admixed American, 0.13%; no homozygotes.

Submissions (2):

Labcorp Genetics (formerly Invitae), Labcorp
Classification: Likely benign. Last evaluated: 2018-06-05. Review status: criteria provided, single submitter. Criteria: Invitae Variant Classification Sherloc (09022015). Collection method: clinical testing. Allele origin: germline.

PreventionGenetics, part of Exact Sciences
Classification: Likely benign for DGKD-related condition. Last evaluated: 2019-07-15. Review status: no assertion criteria provided. Collection method: clinical testing. Allele origin: germline. Not counted in ClinVar's aggregate classification.
Comment: This variant is classified as likely benign based on ACMG/AMP sequence variant interpretation guidelines (Richards et al. 2015 PMID: 25741868, with internal and published modifications).

NM_152879.3(DGKD):c.588G>A (p.Val196=)

Gene: DGKD (diacylglycerol kinase delta; plus strand). Cytogenetic location: 2q37.1.
Variant type: single nucleotide variant.
Coding change: c.588G>A on transcript NM_152879.3 (MANE Select); coding-DNA position 588, G replaced by A.
Protein change: p.Val196=; no amino-acid change (valine 196 retained).
Molecular consequence: synonymous variant.
Genome position (GRCh38, 1-based): chr2:233,435,819, G>A. VCF-style: chr2-233435819-G-A. GRCh37 (hg19) VCF-style: chr2-234344465-G-A.
Other names: c.456G>A, p.Val152= (NM_003648.3).
Identifiers: ClinVar variation 713676 (VCV000713676.5), dbSNP rs773098886, ClinGen allele CA2174916.